The following is an entry in ClinVar:

NM_002890.3(RASA1):c.2230G>A (p.Val744Ile)

Genes: CCNH (cyclin H; minus strand), RASA1 (RAS p21 protein activator 1; plus strand). Cytogenetic location: 5q14.3.
Variant type: single nucleotide variant.
Coding change: c.2230G>A on transcript NM_002890.3 (MANE Select); coding-DNA position 2230, G replaced by A.
Protein change: p.Val744Ile; replaces valine 744 with isoleucine.
Molecular consequence: missense variant. On other transcripts: intron variant (1).
Genome position (GRCh38, 1-based): chr5:87,376,926, G>A. VCF-style: chr5-87376926-G-A. GRCh37 (hg19) VCF-style: chr5-86672743-G-A.
Other names: c.1699G>A, p.Val567Ile (NM_022650.3); c.933+18118C>T (NM_001364075.2); short protein forms V744I, V567I.
Identifiers: ClinVar variation 4776224 (VCV004776224.1).
Genomic context (GRCh38, chr5:87,376,926, plus strand): 5'-AAAATGTCATTTTAGCTTATACTGCAAAAGGAACTTCATGTAGTCTATGCTTTATCACAT[G>A]TATGTGGACAAGACCGAACACTACTGGCCAGCATCCTACTGAGGATTTTTCTTCACGAAA-3'
Protein context (NP_002881.1, residues 734-754): ELHVVYALSH[Val744Ile]CGQDRTLLAS

ClinVar aggregate classification (germline): Uncertain significance (1 of 4 stars; one submission).

Conditions:
Capillary malformation-arteriovenous malformation syndrome. Also called: Capillary malformation-arteriovenous malformation. Identifiers: Orphanet 137667, MedGen C1842180, MONDO:0012016.

gnomAD v4.1: 5 of 1,610,522 alleles (0.00031%); highest among the groups gnomAD compares: Middle Eastern, 0.017%; no homozygotes.

Submission:

Labcorp Genetics (formerly Invitae), Labcorp
Classification: Uncertain significance for Capillary malformation-arteriovenous malformation syndrome. Last evaluated: 2025-11-17. Review status: criteria provided, single submitter. Criteria: Invitae Variant Classification Sherloc (09022015). Collection method: clinical testing. Allele origin: germline.
Comment: This sequence change replaces valine, which is neutral and non-polar, with isoleucine, which is neutral and non-polar, at codon 744 of the RASA1 protein (p.Val744Ile). This variant is present in population databases (rs748479550, gnomAD 0.003%). This variant has not been reported in the literature in individuals affected with RASA1-related conditions. An algorithm developed to predict the effect of missense changes on protein structure and function (PolyPhen-2) suggests that this variant is likely to be disruptive. In summary, the available evidence is currently insufficient to determine the role of this variant in disease. Therefore, it has been classified as a Variant of Uncertain Significance.